The following is an entry in ClinVar:

NM_001035.3(RYR2):c.12369G>T (p.Glu4123Asp)

Gene: RYR2 (ryanodine receptor 2; plus strand). Cytogenetic location: 1q43.
Variant type: single nucleotide variant.
Coding change: c.12369G>T on transcript NM_001035.3 (MANE Select); coding-DNA position 12369, G replaced by T.
Protein change: p.Glu4123Asp; replaces glutamic acid 4123 with aspartic acid.
Molecular consequence: missense variant.
Genome position (GRCh38, 1-based): chr1:237,784,081, G>T. VCF-style: chr1-237784081-G-T. GRCh37 (hg19) VCF-style: chr1-237947381-G-T.
Other names: short protein forms E4123D.
Identifiers: ClinVar variation 856303 (VCV000856303.13), dbSNP rs759484925, ClinGen allele CA345413068.

ClinVar aggregate classification (germline): Uncertain significance. Review status: criteria provided, multiple submitters, no conflicts (2 of 4 stars). 2 submissions from 2 submitters: Uncertain significance (2). Last evaluated 2020-08-18.

Conditions:
Cardiovascular phenotype. Identifiers: MedGen CN230736.
Catecholaminergic polymorphic ventricular tachycardia 1. Also called: VENTRICULAR TACHYCARDIA, CATECHOLAMINERGIC POLYMORPHIC, 1, WITH OR WITHOUT ATRIAL DYSFUNCTION AND/OR DILATED CARDIOMYOPATHY; VENTRICULAR TACHYCARDIA, STRESS-INDUCED POLYMORPHIC 1; RYR2-Related Catecholaminergic Polymorphic Ventricular Tachycardia. Identifiers: Orphanet 3286, MedGen C1631597, MONDO:0011484, OMIM 604772.

Submissions (2):

Ambry Genetics
Classification: Uncertain significance for Cardiovascular phenotype. Last evaluated: 2020-08-18. Review status: criteria provided, single submitter. Criteria: Ambry Variant Classification Scheme 2023. Collection method: clinical testing. Allele origin: germline.
Comment: The p.E4123D variant (also known as c.12369G>T), located in coding exon 90 of the RYR2 gene, results from a G to T substitution at nucleotide position 12369. The glutamic acid at codon 4123 is replaced by aspartic acid, an amino acid with highly similar properties. This amino acid position is well conserved in available vertebrate species; however, aspartic acid is the reference amino acid in other vertebrate species. In addition, this alteration is predicted to be tolerated by in silico analysis. Since supporting evidence is limited at this time, the clinical significance of this alteration remains unclear.

Labcorp Genetics (formerly Invitae), Labcorp
Classification: Uncertain significance for Catecholaminergic polymorphic ventricular tachycardia 1. Last evaluated: 2019-03-11. Review status: criteria provided, single submitter. Criteria: Invitae Variant Classification Sherloc (09022015). Collection method: clinical testing. Allele origin: germline.
Comment: In summary, the available evidence is currently insufficient to determine the role of this variant in disease. Therefore, it has been classified as a Variant of Uncertain Significance. Algorithms developed to predict the effect of missense changes on protein structure and function are either unavailable or do not agree on the potential impact of this missense change (SIFT: "Deleterious"; PolyPhen-2: "Benign"; Align-GVGD: "Class C35"). This variant has not been reported in the literature in individuals with RYR2-related conditions. This variant is not present in population databases (ExAC no frequency). This sequence change replaces glutamic acid with aspartic acid at codon 4123 of the RYR2 protein (p.Glu4123Asp). The glutamic acid residue is highly conserved and there is a small physicochemical difference between glutamic acid and aspartic acid.